The following is an entry in ClinVar:

ClinVar aggregate classification (germline): Uncertain significance (0 of 4 stars; one submission).

Conditions:
FLT4-related disorder. Also called: FLT4-related condition.

Submission:

PreventionGenetics, part of Exact Sciences
Classification: Uncertain significance for FLT4-related condition. Last evaluated: 2023-12-05. Review status: no assertion criteria provided. Collection method: clinical testing. Allele origin: germline.
Comment: The FLT4 c.3571T>C variant is predicted to result in the amino acid substitution p.Ser1191Pro. To our knowledge, this variant has not been reported in the literature or in a large population database, indicating this variant is rare. At this time, the clinical significance of this variant is uncertain due to the absence of conclusive functional and genetic evidence.

NM_182925.5(FLT4):c.3571T>C (p.Ser1191Pro)

Gene: FLT4 (fms related receptor tyrosine kinase 4; minus strand). Cytogenetic location: 5q35.3.
Variant type: single nucleotide variant.
Coding change: c.3571T>C on transcript NM_182925.5 (MANE Select); coding-DNA position 3571, T replaced by C.
Protein change: p.Ser1191Pro; replaces serine 1191 with proline.
Molecular consequence: missense variant.
Genome position (GRCh38, 1-based): chr5:180,611,446, A>G on the plus strand (T>C on the coding strand, the complement: FLT4 is on the minus strand). VCF-style: chr5-180611446-A-G. GRCh37 (hg19) VCF-style: chr5-180038446-A-G.
Other names: c.3571T>C, p.Ser1191Pro (NM_001354989.2, NM_002020.5); short protein forms S1191P.
Identifiers: ClinVar variation 3031890 (VCV003031890.2), dbSNP rs2127791680, ClinGen allele CA362499165.